The following is an entry in ClinVar:

NM_004304.5(ALK):c.2749A>G (p.Thr917Ala)

Gene: ALK (ALK receptor tyrosine kinase; minus strand). Cytogenetic location: 2p23.2.
Variant type: single nucleotide variant.
Coding change: c.2749A>G on transcript NM_004304.5 (MANE Select); coding-DNA position 2749, A replaced by G.
Protein change: p.Thr917Ala; replaces threonine 917 with alanine.
Molecular consequence: missense variant.
Genome position (GRCh38, 1-based): chr2:29,228,950, T>C on the plus strand (A>G on the coding strand, the complement: ALK is on the minus strand). VCF-style: chr2-29228950-T-C. GRCh37 (hg19) VCF-style: chr2-29451816-T-C.
Other names: c.2749A>G (NM_004304.4); short protein forms T917A.
Identifiers: ClinVar variation 1417811 (VCV001417811.9), dbSNP rs2148180542, ClinGen allele CA346469694.

ClinVar aggregate classification (germline): Uncertain significance. Review status: criteria provided, multiple submitters, no conflicts (2 of 4 stars). 2 submissions from 2 submitters: Uncertain significance (2). Last evaluated 2025-05-25.

Conditions:
Neuroblastoma, susceptibility to, 3. Also called: ALK-Related Neuroblastic Tumor Susceptibility. Identifiers: Orphanet 635, MedGen C2751681, MONDO:0013083, OMIM 613014.
Hereditary cancer-predisposing syndrome. Also called: Hereditary neoplastic syndrome; Neoplastic Syndromes, Hereditary; Hereditary Cancer Syndrome; Tumor predisposition. Identifiers: Orphanet 140162, MedGen C0027672, MeSH D009386, MONDO:0015356.

Submissions (2):

Labcorp Genetics (formerly Invitae), Labcorp
Classification: Uncertain significance for Neuroblastoma, susceptibility to, 3. Last evaluated: 2025-05-25. Review status: criteria provided, single submitter. Criteria: Invitae Variant Classification Sherloc (09022015). Collection method: clinical testing. Allele origin: germline.
Comment: This sequence change replaces threonine, which is neutral and polar, with alanine, which is neutral and non-polar, at codon 917 of the ALK protein (p.Thr917Ala). This variant is not present in population databases (gnomAD no frequency). This variant has not been reported in the literature in individuals affected with ALK-related conditions. ClinVar contains an entry for this variant (Variation ID: 1417811). An algorithm developed to predict the effect of missense changes on protein structure and function (PolyPhen-2) suggests that this variant is likely to be disruptive. In summary, the available evidence is currently insufficient to determine the role of this variant in disease. Therefore, it has been classified as a Variant of Uncertain Significance.

Ambry Genetics
Classification: Uncertain significance for Hereditary cancer-predisposing syndrome. Last evaluated: 2023-09-22. Review status: criteria provided, single submitter. Criteria: Ambry Variant Classification Scheme 2023. Collection method: clinical testing. Allele origin: germline.
Comment: The p.T917A variant (also known as c.2749A>G), located in coding exon 16 of the ALK gene, results from an A to G substitution at nucleotide position 2749. The threonine at codon 917 is replaced by alanine, an amino acid with similar properties. This amino acid position is conserved. In addition, the in silico prediction for this alteration is inconclusive. Since supporting evidence is limited at this time, the clinical significance of this alteration remains unclear.